The following is an entry in ClinVar:

ClinVar aggregate classification (germline): Uncertain significance (1 of 4 stars; one submission).

gnomAD v4.1: 13 of 1,614,138 alleles (0.00081%); highest among the groups gnomAD compares: Admixed American, 0.02%; no homozygotes.

Submission:

Labcorp Genetics (formerly Invitae), Labcorp
Classification: Uncertain significance. Last evaluated: 2022-06-23. Review status: criteria provided, single submitter. Criteria: Invitae Variant Classification Sherloc (09022015). Collection method: clinical testing. Allele origin: germline.
Comment: This sequence change replaces proline, which is neutral and non-polar, with serine, which is neutral and polar, at codon 454 of the HPS4 protein (p.Pro454Ser). This variant is present in population databases (rs186173240, gnomAD 0.03%). In summary, the available evidence is currently insufficient to determine the role of this variant in disease. Therefore, it has been classified as a Variant of Uncertain Significance. Algorithms developed to predict the effect of missense changes on protein structure and function (SIFT, PolyPhen-2, Align-GVGD) all suggest that this variant is likely to be tolerated. This variant has not been reported in the literature in individuals affected with HPS4-related conditions.

NM_022081.6(HPS4):c.1360C>T (p.Pro454Ser)

Gene: HPS4 (HPS4 biogenesis of lysosomal organelles complex 3 subunit 2; minus strand). Cytogenetic location: 22q12.1.
Variant type: single nucleotide variant.
Coding change: c.1360C>T on transcript NM_022081.6 (MANE Select); coding-DNA position 1360, C replaced by T.
Protein change: p.Pro454Ser; replaces proline 454 with serine.
Molecular consequence: missense variant. On other transcripts: non-coding transcript variant (8).
Genome position (GRCh38, 1-based): chr22:26,464,270, G>A on the plus strand (C>T on the coding strand, the complement: HPS4 is on the minus strand). VCF-style: chr22-26464270-G-A. GRCh37 (hg19) VCF-style: chr22-26860236-G-A.
Other names: c.1360C>T, p.Pro454Ser (NM_001349896.1, NM_001349898.2, NM_001349899.2 and 5 more transcripts); c.1414C>T, p.Pro472Ser (NM_001349900.2, NM_001349901.1); c.1345C>T, p.Pro449Ser (NM_152841.2); short protein forms P454S, P472S, P449S.
Identifiers: ClinVar variation 1984757 (VCV001984757.4), dbSNP rs186173240, ClinGen allele CA10163342.